The following is an entry in ClinVar:

ClinVar aggregate classification (germline): Uncertain significance. Review status: criteria provided, multiple submitters, no conflicts (2 of 4 stars). 2 submissions from 2 submitters: Uncertain significance (2). Last evaluated 2022-10-27.

Conditions:
Cardiovascular phenotype. Identifiers: MedGen CN230736.
Dilated cardiomyopathy 1J (CMD1J). Also called: CARDIOMYOPATHY, DILATED, WITH SENSORINEURAL HEARING LOSS, AUTOSOMAL DOMINANT. Identifiers: Orphanet 217622, MedGen C1854368, MONDO:0011541, OMIM 605362.

Submissions (2):

Ambry Genetics
Classification: Uncertain significance for Cardiovascular phenotype. Last evaluated: 2022-10-27. Review status: criteria provided, single submitter. Criteria: Ambry Variant Classification Scheme 2023. Collection method: clinical testing. Allele origin: germline.
Comment: The p.E517K variant (also known as c.1549G>A), located in coding exon 16 of the EYA4 gene, results from a G to A substitution at nucleotide position 1549. The glutamic acid at codon 517 is replaced by lysine, an amino acid with similar properties. This amino acid position is conserved. In addition, this alteration is predicted to be deleterious by in silico analysis. Since supporting evidence is limited at this time, the clinical significance of this alteration remains unclear.

Labcorp Genetics (formerly Invitae), Labcorp
Classification: Uncertain significance for Dilated cardiomyopathy 1J. Last evaluated: 2022-07-31. Review status: criteria provided, single submitter. Criteria: Invitae Variant Classification Sherloc (09022015). Collection method: clinical testing. Allele origin: germline.
Comment: This variant has not been reported in the literature in individuals affected with EYA4-related conditions. This sequence change replaces glutamic acid, which is acidic and polar, with lysine, which is basic and polar, at codon 517 of the EYA4 protein (p.Glu517Lys). This variant is not present in population databases (gnomAD no frequency). Algorithms developed to predict the effect of missense changes on protein structure and function are either unavailable or do not agree on the potential impact of this missense change (SIFT: "Tolerated"; PolyPhen-2: "Possibly Damaging"; Align-GVGD: "Class C0"). In summary, the available evidence is currently insufficient to determine the role of this variant in disease. Therefore, it has been classified as a Variant of Uncertain Significance.

NM_004100.5(EYA4):c.1549G>A (p.Glu517Lys)

Genes: EYA4 (EYA transcriptional coactivator and phosphatase 4; plus strand), TARID (TCF21 antisense RNA inducing promoter demethylation; minus strand). Cytogenetic location: 6q23.2.
Variant type: single nucleotide variant.
Coding change: c.1549G>A on transcript NM_004100.5 (MANE Select); coding-DNA position 1549, G replaced by A.
Protein change: p.Glu517Lys; replaces glutamic acid 517 with lysine.
Molecular consequence: missense variant.
Genome position (GRCh38, 1-based): chr6:133,515,368, G>A. VCF-style: chr6-133515368-G-A. GRCh37 (hg19) VCF-style: chr6-133836506-G-A.
Other names: c.1387G>A, p.Glu463Lys (NM_001301012.2); c.1567G>A, p.Glu523Lys (NM_001301013.2); c.1480G>A, p.Glu494Lys (NM_001370458.1, NM_172103.4); c.1405G>A, p.Glu469Lys (NM_001370459.1); c.1549G>A, p.Glu517Lys (NM_172105.4); short protein forms E517K, E469K, E463K, E494K, E523K.
Identifiers: ClinVar variation 1774996 (VCV001774996.7), dbSNP rs2535379499, ClinGen allele CA365695411.